The following is an entry in ClinVar:

NM_004656.4(BAP1):c.438-6dup

Gene: BAP1 (BRCA1 associated deubiquitinase 1; minus strand). Cytogenetic location: 3p21.1.
Variant type: Duplication.
Coding change: c.438-6dup on transcript NM_004656.4 (MANE Select); 6 bases into the intron before coding-DNA position 438, one base duplicated (C; older notation c.438-6dupC).
Molecular consequence: intron variant.
Genome position (GRCh38, 1-based): chr3:52,407,319, G duplicated on the plus strand (C on the coding strand, the reverse complement: BAP1 is on the minus strand); the first of 4 consecutive G bases (chr3:52,407,319-52,407,322); duplicating any one gives the same sequence. VCF-style (leftmost placement, unchanged base first): chr3-52407318-T-TG. GRCh37 (hg19) VCF-style: chr3-52441334-T-TG.
Identifiers: ClinVar variation 1109191 (VCV001109191.11), dbSNP rs1348880848, ClinGen allele CA543057059.

ClinVar aggregate classification (germline): Conflicting classifications of pathogenicity. Review status: criteria provided, conflicting classifications (1 of 4 stars). 4 submissions from 4 submitters: Uncertain significance (2); Likely benign (2). Last evaluated 2025-11-23.

Conditions:
Hereditary cancer-predisposing syndrome. Also called: Tumor predisposition; Hereditary Cancer Syndrome; Neoplastic Syndromes, Hereditary; Hereditary neoplastic syndrome. Identifiers: Orphanet 140162, MedGen C0027672, MeSH D009386, MONDO:0015356.
BAP1-related tumor predisposition syndrome (TPDS1). Also called: TUMOR PREDISPOSITION SYNDROME 1; COMMON Syndrome; Tumor susceptibility linked to germline BAP1 mutations; BAP1 tumor predisposition syndrome. Identifiers: Orphanet 289539, MedGen C3280492, MONDO:0013692, OMIM 614327.

Submissions (4):

Labcorp Genetics (formerly Invitae), Labcorp
Classification: Likely benign for BAP1-related tumor predisposition syndrome. Last evaluated: 2025-11-23. Review status: criteria provided, single submitter. Criteria: Invitae Variant Classification Sherloc (09022015). Collection method: clinical testing. Allele origin: germline.

Myriad Genetics, Inc.
Classification: Likely benign for BAP1-related tumor predisposition syndrome. Last evaluated: 2024-07-12. Review status: criteria provided, single submitter. Criteria: Myriad Autosomal Dominant, Autosomal Recessive and X-Linked Classification Criteria (2023). Collection method: clinical testing. Allele origin: unknown.
Comment: This variant is considered likely benign. This variant is intronic and is not expected to impact mRNA splicing.

Quest Diagnostics Nichols Institute San Juan Capistrano
Classification: Uncertain significance. Last evaluated: 2024-03-01. Review status: criteria provided, single submitter. Criteria: Quest Diagnostics criteria. Collection method: clinical testing. Allele origin: unknown.
Comment: The BAP1 c.438-3dup variant has not been reported in individuals with BAP1-related conditions in the published literature. The frequency of this variant in the general population, 0.000004 (1/251440 chromosomes (Genome Aggregation Database)), is uninformative in the assessment of its pathogenicity. Analysis of this variant using software algorithms for the prediction of the effect of nucleotide changes on splicing yielded predictions that this variant does not affect BAP1 mRNA splicing. Based on the available information, we are unable to determine the clinical significance of this variant.

Color Diagnostics, LLC DBA Color Health
Classification: Uncertain significance for Hereditary cancer-predisposing syndrome. Last evaluated: 2020-10-05. Review status: criteria provided, single submitter. Criteria: ACMG Guidelines, 2015. Collection method: clinical testing. Allele origin: germline.
Comment: This variant causes duplication of cytosine at position +3 in intron 6 of the BAP1 gene. To our knowledge, functional studies have not been reported for this variant. This variant has not been reported in individuals affected with hereditary cancer in the literature. This variant has been identified in 1/251440 chromosomes in the general population by the Genome Aggregation Database (gnomAD). The available evidence is insufficient to determine the role of this variant in disease conclusively. Therefore, this variant is classified as a Variant of Uncertain Significance.